The following is an entry in ClinVar:

NM_000390.4(CHM):c.1277_1278del (p.Arg426fs)

Gene: CHM (CHM Rab escort protein; minus strand). Cytogenetic location: Xq21.2.
Variant type: Microsatellite.
Coding change: c.1277_1278del on transcript NM_000390.4 (MANE Select); coding-DNA positions 1277 to 1278, 2 bases deleted (GA; older notation c.1277_1278delGA).
Protein change: p.Arg426fs; shifts the reading frame from arginine 426.
Molecular consequence: frameshift variant.
Genome position (GRCh38, 1-based): chrX:85,901,155-85,901,156, TC deleted on the plus strand (GA on the coding strand, the reverse complement: CHM is on the minus strand); deleting any 2 consecutive bases within chrX:85,901,155-85,901,159 gives the same sequence; the c. name uses the placement nearest the transcript's 3' end. VCF-style (leftmost placement, unchanged base first): chrX-85901154-TTC-T. GRCh37 (hg19) VCF-style: chrX-85156159-TTC-T.
Other names: c.833_834del, p.Arg278fs (NM_001320959.1, NM_001362517.1, NM_001362518.2 and 1 more transcripts); short protein forms R278fs, R426fs.
Identifiers: ClinVar variation 2740739 (VCV002740739.3), dbSNP rs2520098282, ClinGen allele CA2697553345.

ClinVar aggregate classification (germline): Pathogenic (1 of 4 stars; one submission).

Submission:

Labcorp Genetics (formerly Invitae), Labcorp
Classification: Pathogenic. Last evaluated: 2023-07-19. Review status: criteria provided, single submitter. Criteria: Invitae Variant Classification Sherloc (09022015). Collection method: clinical testing. Allele origin: germline.
Comment: This sequence change creates a premature translational stop signal (p.Arg426Asnfs*4) in the CHM gene. It is expected to result in an absent or disrupted protein product. Loss-of-function variants in CHM are known to be pathogenic (PMID: 9067750, 23811034). This variant is not present in population databases (gnomAD no frequency). This variant has not been reported in the literature in individuals affected with CHM-related conditions. Algorithms developed to predict the effect of sequence changes on RNA splicing suggest that this variant may disrupt the consensus splice site. For these reasons, this variant has been classified as Pathogenic.

Literature cited by the submitters: PubMed 9067750; PubMed 23811034.